The following is an entry in ClinVar:

NM_006904.7(PRKDC):c.6269G>C (p.Arg2090Pro)

Gene: PRKDC (protein kinase, DNA-activated, catalytic subunit; minus strand). Cytogenetic location: 8q11.21.
Variant type: single nucleotide variant.
Coding change: c.6269G>C on transcript NM_006904.7 (MANE Select); coding-DNA position 6269, G replaced by C.
Protein change: p.Arg2090Pro; replaces arginine 2090 with proline.
Molecular consequence: missense variant.
Genome position (GRCh38, 1-based): chr8:47,858,925, C>G on the plus strand (G>C on the coding strand, the complement: PRKDC is on the minus strand). VCF-style: chr8-47858925-C-G. GRCh37 (hg19) VCF-style: chr8-48771486-C-G.
Other names: c.6269G>C, p.Arg2090Pro (NM_001081640.2); short protein forms R2090P.
Identifiers: ClinVar variation 1411782 (VCV001411782.6), dbSNP rs371328148, ClinGen allele CA4740403.

ClinVar aggregate classification (germline): Uncertain significance (1 of 4 stars; one submission).

Conditions:
Severe combined immunodeficiency due to DNA-PKcs deficiency. Also called: IMMUNODEFICIENCY 26 WITH NEUROLOGIC ABNORMALITIES; Immunodeficiency 26 with or without neurologic abnormalities. Identifiers: Orphanet 317425, MedGen C4014833, MONDO:0014423, OMIM 615966.

Allele frequency attached by ClinVar (database versions not stated): ExAC 0.00001; TOPMed 0.00001; ESP Exome Variant Server 0.00008.
gnomAD v4.1: 7 of 1,613,666 alleles (0.00043%); highest among the groups gnomAD compares: Non-Finnish European, 0.00051%; no homozygotes.

Submission:

Labcorp Genetics (formerly Invitae), Labcorp
Classification: Uncertain significance for Severe combined immunodeficiency due to DNA-PKcs deficiency. Last evaluated: 2023-05-31. Review status: criteria provided, single submitter. Criteria: Invitae Variant Classification Sherloc (09022015). Collection method: clinical testing. Allele origin: germline.
Comment: ClinVar contains an entry for this variant (Variation ID: 1411782). In summary, the available evidence is currently insufficient to determine the role of this variant in disease. Therefore, it has been classified as a Variant of Uncertain Significance. Advanced modeling of protein sequence and biophysical properties (such as structural, functional, and spatial information, amino acid conservation, physicochemical variation, residue mobility, and thermodynamic stability) performed at Invitae indicates that this missense variant is expected to disrupt PRKDC protein function. This variant has not been reported in the literature in individuals affected with PRKDC-related conditions. This variant is present in population databases (rs371328148, gnomAD 0.002%). This sequence change replaces arginine, which is basic and polar, with proline, which is neutral and non-polar, at codon 2090 of the PRKDC protein (p.Arg2090Pro).